The following is an entry in ClinVar:

ClinVar aggregate classification (germline): Uncertain significance (1 of 4 stars; one submission).

Allele frequency attached by ClinVar (database versions not stated): TOPMed below 0.00001.

Submission:

Labcorp Genetics (formerly Invitae), Labcorp
Classification: Uncertain significance. Last evaluated: 2023-08-27. Review status: criteria provided, single submitter. Criteria: Invitae Variant Classification Sherloc (09022015). Collection method: clinical testing. Allele origin: germline.
Comment: In summary, the available evidence is currently insufficient to determine the role of this variant in disease. Therefore, it has been classified as a Variant of Uncertain Significance. Advanced modeling of protein sequence and biophysical properties (such as structural, functional, and spatial information, amino acid conservation, physicochemical variation, residue mobility, and thermodynamic stability) has been performed at Invitae for this missense variant, however the output from this modeling did not meet the statistical confidence thresholds required to predict the impact of this variant on CHD8 protein function. This sequence change replaces lysine, which is basic and polar, with arginine, which is basic and polar, at codon 1301 of the CHD8 protein (p.Lys1301Arg). This variant is not present in population databases (gnomAD no frequency). This variant has not been reported in the literature in individuals affected with CHD8-related conditions.

NM_001170629.2(CHD8):c.3902A>G (p.Lys1301Arg)

Gene: CHD8 (chromodomain helicase DNA binding protein 8; minus strand). Cytogenetic location: 14q11.2.
Variant type: single nucleotide variant.
Coding change: c.3902A>G on transcript NM_001170629.2 (MANE Select); coding-DNA position 3902, A replaced by G.
Protein change: p.Lys1301Arg; replaces lysine 1301 with arginine.
Molecular consequence: missense variant.
Genome position (GRCh38, 1-based): chr14:21,402,117, T>C on the plus strand (A>G on the coding strand, the complement: CHD8 is on the minus strand). VCF-style: chr14-21402117-T-C. GRCh37 (hg19) VCF-style: chr14-21870276-T-C.
Other names: c.3065A>G, p.Lys1022Arg (NM_020920.4); short protein forms K1301R, K1022R.
Identifiers: ClinVar variation 2800442 (VCV002800442.3), dbSNP rs1888063066, ClinGen allele CA388897400.